The following is an entry in ClinVar:

NM_001369369.1(FOXN1):c.1924T>A (p.Ser642Thr)

Gene: FOXN1 (forkhead box N1; plus strand). Cytogenetic location: 17q11.2.
Variant type: single nucleotide variant.
Coding change: c.1924T>A on transcript NM_001369369.1 (MANE Select); coding-DNA position 1924, T replaced by A.
Protein change: p.Ser642Thr; replaces serine 642 with threonine.
Molecular consequence: missense variant.
Genome position (GRCh38, 1-based): chr17:28,537,413, T>A. VCF-style: chr17-28537413-T-A. GRCh37 (hg19) VCF-style: chr17-26864431-T-A.
Other names: c.1924T>A, p.Ser642Thr (NM_003593.3); short protein forms S642T.
Identifiers: ClinVar variation 4999272 (VCV004999272.1).

ClinVar aggregate classification (germline): Uncertain significance (1 of 4 stars; one submission).

Conditions:
FOXN1-related disorder. Also called: FOXN1-related condition.

Submission:

PreventionGenetics, part of Exact Sciences
Classification: Uncertain significance for FOXN1-related condition. Last evaluated: 2024-11-20. Review status: criteria provided, single submitter. Criteria: ACMG Guidelines, 2015. Collection method: clinical testing. Allele origin: germline.
Comment: The FOXN1 c.1924T>A variant is predicted to result in the amino acid substitution p.Ser642Thr. To our knowledge, this variant has not been reported in the literature or in a large population database (gnomAD), indicating this variant is rare. At this time, the clinical significance of this variant is uncertain due to the absence of conclusive functional and genetic evidence.